The following is an entry in ClinVar:

ClinVar aggregate classification (germline): Uncertain significance (1 of 4 stars; one submission).

Conditions:
SETD2-related disorder.

gnomAD v4.1: 2 of 1,611,288 alleles (0.00012%); highest among the groups gnomAD compares: Admixed American, 0.0017%; no homozygotes.

Submission:

PreventionGenetics, part of Exact Sciences
Classification: Uncertain significance for SETD2-related condition. Last evaluated: 2024-10-16. Review status: criteria provided, single submitter. Criteria: ACMG Guidelines, 2015. Collection method: clinical testing. Allele origin: germline.
Comment: The SETD2 c.4529C>G variant is predicted to result in the amino acid substitution p.Ala1510Gly. To our knowledge, this variant has not been reported in the literature. This variant is reported in 0.0029% of alleles in individuals of Latino descent in gnomAD. At this time, the clinical significance of this variant is uncertain due to the absence of conclusive functional and genetic evidence.

NM_014159.7(SETD2):c.4529C>G (p.Ala1510Gly)

Gene: SETD2 (SET domain containing 2, histone lysine methyltransferase; minus strand). Cytogenetic location: 3p21.31.
Variant type: single nucleotide variant.
Coding change: c.4529C>G on transcript NM_014159.7 (MANE Select); coding-DNA position 4529, C replaced by G.
Protein change: p.Ala1510Gly; replaces alanine 1510 with glycine.
Molecular consequence: missense variant. On other transcripts: non-coding transcript variant (1).
Genome position (GRCh38, 1-based): chr3:47,116,680, G>C on the plus strand (C>G on the coding strand, the complement: SETD2 is on the minus strand). VCF-style: chr3-47116680-G-C. GRCh37 (hg19) VCF-style: chr3-47158170-G-C.
Other names: c.4397C>G, p.Ala1466Gly (NM_001349370.3); short protein forms A1466G, A1510G.
Identifiers: ClinVar variation 4999984 (VCV004999984.1).